The following is an entry in ClinVar:

ClinVar aggregate classification (germline): Uncertain significance (1 of 4 stars; one submission).

Conditions:
PRR12-related disorder. Also called: PRR12-related condition.

Submission:

PreventionGenetics, part of Exact Sciences
Classification: Uncertain significance for PRR12-related condition. Last evaluated: 2025-12-03. Review status: criteria provided, single submitter. Criteria: ACMG Guidelines, 2015. Collection method: clinical testing. Allele origin: germline.
Comment: The PRR12 c.4714G>A variant is predicted to result in the amino acid substitution p.Gly1572Ser. To our knowledge, this variant has not been reported in the literature or in a large population database (gnomAD), indicating this variant is rare. At this time, the clinical significance of this variant is uncertain due to the absence of conclusive functional and genetic evidence.

NM_020719.3(PRR12):c.4714G>A (p.Gly1572Ser)

Gene: PRR12 (proline rich 12; plus strand). Cytogenetic location: 19q13.33.
Variant type: single nucleotide variant.
Coding change: c.4714G>A on transcript NM_020719.3 (MANE Select); coding-DNA position 4714, G replaced by A.
Protein change: p.Gly1572Ser; replaces glycine 1572 with serine.
Molecular consequence: missense variant.
Genome position (GRCh38, 1-based): chr19:49,601,859, G>A. VCF-style: chr19-49601859-G-A. GRCh37 (hg19) VCF-style: chr19-50105116-G-A.
Other names: short protein forms G1572S.
Identifiers: ClinVar variation 4994586 (VCV004994586.1).